The following is an entry in ClinVar:

NM_001408.3(CELSR2):c.784C>G (p.Gln262Glu)

Gene: CELSR2 (cadherin EGF LAG seven-pass G-type receptor 2; plus strand). Cytogenetic location: 1p13.3.
Variant type: single nucleotide variant.
Coding change: c.784C>G on transcript NM_001408.3 (MANE Select); coding-DNA position 784, C replaced by G.
Protein change: p.Gln262Glu; replaces glutamine 262 with glutamic acid.
Molecular consequence: missense variant.
Genome position (GRCh38, 1-based): chr1:109,250,863, C>G. VCF-style: chr1-109250863-C-G. GRCh37 (hg19) VCF-style: chr1-109793485-C-G.
Other names: short protein forms Q262E.
Identifiers: ClinVar variation 3697023 (VCV003697023.2).
Genomic context (GRCh38, chr1:109,250,863, plus strand): 5'-ACCACAGCCGAGGAGCTGGATCGTGAGACCAAGAGCACCCACGTCTTCAGGGTCACGGCG[C>G]AGGACCACGGCATGCCCCGACGAAGTGCCCTGGCTACACTCACCATCTTGGTTACTGACA-3'
Protein context (NP_001399.1, residues 252-272): KSTHVFRVTA[Gln262Glu]DHGMPRRSAL

ClinVar aggregate classification (germline): Uncertain significance (1 of 4 stars; one submission).

gnomAD v4.1: 6 of 1,614,054 alleles (0.00037%); highest among the groups gnomAD compares: Admixed American, 0.0017%; no homozygotes.

Submission:

Labcorp Genetics (formerly Invitae), Labcorp
Classification: Uncertain significance. Last evaluated: 2025-08-04. Review status: criteria provided, single submitter. Criteria: Invitae Variant Classification Sherloc (09022015). Collection method: clinical testing. Allele origin: germline.
Comment: This sequence change replaces glutamine, which is neutral and polar, with glutamic acid, which is acidic and polar, at codon 262 of the CELSR2 protein (p.Gln262Glu). This variant is present in population databases (rs779371178, gnomAD 0.003%). This variant has not been reported in the literature in individuals affected with CELSR2-related conditions. ClinVar contains an entry for this variant (Variation ID: 3697023). Invitae Evidence Modeling of protein sequence and biophysical properties (such as structural, functional, and spatial information, amino acid conservation, physicochemical variation, residue mobility, and thermodynamic stability) indicates that this missense variant is not expected to disrupt CELSR2 protein function with a negative predictive value of 80%. In summary, the available evidence is currently insufficient to determine the role of this variant in disease. Therefore, it has been classified as a Variant of Uncertain Significance.